The following is an entry in ClinVar:

ClinVar aggregate classification (germline): Uncertain significance (1 of 4 stars; one submission).

Conditions:
LRRC45-related disorder. Also called: LRRC45-related condition.

gnomAD v4.1: 4 of 1,608,794 alleles (0.00025%); highest among the groups gnomAD compares: Admixed American, 0.0067%; no homozygotes.

Submission:

PreventionGenetics, part of Exact Sciences
Classification: Uncertain significance for LRRC45-related condition. Last evaluated: 2026-04-07. Review status: criteria provided, single submitter. Criteria: ACMG Guidelines, 2015. Collection method: clinical testing. Allele origin: germline.
Comment: The LRRC45 c.1401+2T>C variant is predicted to disrupt the GT donor site and interfere with normal splicing. This variant is predicted to impact splicing by one available splicing algorithm (SpliceAI, Jaganathan et al. 2019. PubMed ID: 30661751). To our knowledge, this variant has not been reported in the literature. This variant is reported in 0.0059% of alleles in individuals of Latino descent in gnomAD. At this time, the clinical significance of this variant is uncertain due to the absence of conclusive functional and genetic evidence.

NM_144999.4(LRRC45):c.1401+2T>C

Gene: LRRC45 (leucine rich repeat containing 45; plus strand). Cytogenetic location: 17q25.3.
Variant type: single nucleotide variant.
Coding change: c.1401+2T>C on transcript NM_144999.4 (MANE Select); the canonical splice donor site of the intron after coding-DNA position 1401, T replaced by C.
Molecular consequence: splice donor variant.
Genome position (GRCh38, 1-based): chr17:82,029,187, T>C. VCF-style: chr17-82029187-T-C. GRCh37 (hg19) VCF-style: chr17-79987063-T-C.
Identifiers: ClinVar variation 4979250 (VCV004979250.1).